The following is an entry in ClinVar:

ClinVar aggregate classification (germline): Pathogenic (1 of 4 stars; one submission).

Submission:

Labcorp Genetics (formerly Invitae), Labcorp
Classification: Pathogenic. Last evaluated: 2020-11-12. Review status: criteria provided, single submitter. Criteria: Invitae Variant Classification Sherloc (09022015). Collection method: clinical testing. Allele origin: germline.
Comment: For these reasons, this variant has been classified as Pathogenic. This sequence change creates a premature translational stop signal (p.Asn285Serfs*3) in the VPS13A gene. It is expected to result in an absent or disrupted protein product. Loss-of-function variants in VPS13A are known to be pathogenic (PMID: 12404112, 21598378). This variant is not present in population databases (ExAC no frequency). This variant has not been reported in the literature in individuals with VPS13A-related conditions. ClinVar contains an entry for this variant (Variation ID: 862157).

Literature cited by the submitters: PubMed 12404112; PubMed 21598378.

NM_033305.3(VPS13A):c.854_858del (p.Asn285fs)

Gene: VPS13A (vacuolar protein sorting 13 homolog A; plus strand). Cytogenetic location: 9q21.2.
Variant type: Microsatellite.
Coding change: c.854_858del on transcript NM_033305.3 (MANE Select); coding-DNA positions 854 to 858, 5 bases deleted (ACATA; older notation c.854_858delACATA).
Protein change: p.Asn285fs; shifts the reading frame from asparagine 285.
Molecular consequence: frameshift variant.
Genome position (GRCh38, 1-based): chr9:77,220,053-77,220,057, ACATA deleted; deleting any 5 consecutive bases within chr9:77,220,048-77,220,057 gives the same sequence; the c. name uses the placement nearest the transcript's 3' end. VCF-style (leftmost placement, unchanged base first): chr9-77220047-TACATA-T. GRCh37 (hg19) VCF-style: chr9-79834963-TACATA-T.
Other names: c.854_858del, p.Asn285fs (NM_001018037.2, NM_001018038.3, NM_015186.4); short protein forms N285fs.
Identifiers: ClinVar variation 862157 (VCV000862157.7), dbSNP rs1823102495, ClinGen allele CA916083049.